The following is an entry in ClinVar:

NM_006767.4(LZTR1):c.1887_1888insAG (p.Arg630fs)

Gene: LZTR1 (leucine zipper like post translational regulator 1; plus strand). Cytogenetic location: 22q11.21.
Variant type: Insertion.
Coding change: c.1887_1888insAG on transcript NM_006767.4 (MANE Select); coding-DNA positions 1887 to 1888, AG inserted.
Protein change: p.Arg630fs; shifts the reading frame from arginine 630.
Molecular consequence: frameshift variant.
Genome position: GRCh38 VCF-style: chr22-20994970-T-TGA. GRCh37 (hg19) VCF-style: chr22-21349259-T-TGA.
Other names: short protein forms R630fs.
Identifiers: ClinVar variation 1319827 (VCV001319827.6), dbSNP rs1924776706, ClinGen allele CA2396642507.
Genomic context (GRCh38, chr22:20,994,970, plus strand): 5'-ACCAGGTGATCATGATGAAGGAGTTCGAGCGCCTCTCCTCTCCACTGATAGTGGAGATTG[T>TGA]GCGGCGGAAGCAGCAGCCGCCCCCTCGCACTCCCTTGGACCAGCCAGTGGACATTGGTAG-3'

ClinVar aggregate classification (germline): Pathogenic/Likely pathogenic. Review status: criteria provided, multiple submitters, no conflicts (2 of 4 stars). 2 submissions from 2 submitters: Pathogenic (1); Likely pathogenic (1). Last evaluated 2024-12-09.

Submissions (2):

Labcorp Genetics (formerly Invitae), Labcorp
Classification: Pathogenic. Last evaluated: 2024-12-09. Review status: criteria provided, single submitter. Criteria: Invitae Variant Classification Sherloc (09022015). Collection method: clinical testing. Allele origin: germline.
Comment: This sequence change creates a premature translational stop signal (p.Arg630Serfs*23) in the LZTR1 gene. It is expected to result in an absent or disrupted protein product. Loss-of-function variants in LZTR1 are known to be pathogenic (PMID: 24362817, 25335493, 25480913, 25795793, 29469822, 30368668, 30442762, 30442766, 30481304, 30859559). This variant is not present in population databases (gnomAD no frequency). This variant has not been reported in the literature in individuals affected with LZTR1-related conditions. ClinVar contains an entry for this variant (Variation ID: 1319827). For these reasons, this variant has been classified as Pathogenic.

Institute for Clinical Genetics, University Hospital TU Dresden, University Hospital TU Dresden
Classification: Likely pathogenic. Last evaluated: 2021-11-03. Review status: criteria provided, single submitter. Criteria: ACMG Guidelines, 2015. Collection method: clinical testing. Allele origin: germline.

Literature cited by the submitters: PubMed 24362817 (cited by Labcorp Genetics (formerly Invitae), Labcorp); PubMed 25335493 (cited by Labcorp Genetics (formerly Invitae), Labcorp); PubMed 25480913 (cited by Labcorp Genetics (formerly Invitae), Labcorp); PubMed 25795793 (cited by Labcorp Genetics (formerly Invitae), Labcorp); PubMed 29469822 (cited by Labcorp Genetics (formerly Invitae), Labcorp); PubMed 30368668 (cited by Labcorp Genetics (formerly Invitae), Labcorp); PubMed 30442762 (cited by Labcorp Genetics (formerly Invitae), Labcorp); PubMed 30442766 (cited by Labcorp Genetics (formerly Invitae), Labcorp); PubMed 30481304 (cited by Labcorp Genetics (formerly Invitae), Labcorp); PubMed 30859559 (cited by Labcorp Genetics (formerly Invitae), Labcorp).